The following is an entry in ClinVar:

ClinVar aggregate classification (germline): Uncertain significance (1 of 4 stars; one submission).

Conditions:
Aortic aneurysm, familial thoracic 7 (AAT7). Also called: AORTIC DISSECTION, FAMILIAL, WITH OR WITHOUT AORTIC ANEURYSM. Identifiers: MedGen C3151077, MONDO:0013418, OMIM 613780.

Submission:

Labcorp Genetics (formerly Invitae), Labcorp
Classification: Uncertain significance for Aortic aneurysm, familial thoracic 7. Last evaluated: 2023-04-24. Review status: criteria provided, single submitter. Criteria: Invitae Variant Classification Sherloc (09022015). Collection method: clinical testing. Allele origin: germline.
Comment: This variant is not present in population databases (gnomAD no frequency). This sequence change replaces glycine, which is neutral and non-polar, with arginine, which is basic and polar, at codon 132 of the MYLK protein (p.Gly132Arg). In summary, the available evidence is currently insufficient to determine the role of this variant in disease. Therefore, it has been classified as a Variant of Uncertain Significance. Advanced modeling of protein sequence and biophysical properties (such as structural, functional, and spatial information, amino acid conservation, physicochemical variation, residue mobility, and thermodynamic stability) performed at Invitae indicates that this missense variant is not expected to disrupt MYLK protein function. This variant has not been reported in the literature in individuals affected with MYLK-related conditions.

NM_053025.4(MYLK):c.394G>C (p.Gly132Arg)

Gene: MYLK (myosin light chain kinase; minus strand). Cytogenetic location: 3q21.1.
Variant type: single nucleotide variant.
Coding change: c.394G>C on transcript NM_053025.4 (MANE Select); coding-DNA position 394, G replaced by C.
Protein change: p.Gly132Arg; replaces glycine 132 with arginine.
Molecular consequence: missense variant. On other transcripts: 5 prime UTR variant (1).
Genome position (GRCh38, 1-based): chr3:123,739,981, C>G on the plus strand (G>C on the coding strand, the complement: MYLK is on the minus strand). VCF-style: chr3-123739981-C-G. GRCh37 (hg19) VCF-style: chr3-123458828-C-G.
Other names: c.-135G>C (NM_001321309.2); c.394G>C, p.Gly132Arg (NM_053026.4, NM_053027.4, NM_053028.4); short protein forms G132R.
Identifiers: ClinVar variation 2805805 (VCV002805805.3), dbSNP rs912334368, ClinGen allele CA82946102.
Genomic context (GRCh38, chr3:123,739,981, plus strand): 5'-CCCTTACTCTGTCTTGAACATCCAGGACTTACCCTAAGGTTTTGGAAACAACAGGCTGAC[C>G]AAGCTGCTTCGCAAAACTTCCTGCAAGAAAAAGAGTTGATGAGTCAGGTCTGAGCCACCA-3'
Protein context (NP_444253.3, residues 122-142): TVEGSFAKQL[Gly132Arg]QPVVSKTLGD